The following is an entry in ClinVar:

ClinVar aggregate classification (germline): Uncertain significance (1 of 4 stars; one submission).

Conditions:
Inborn genetic diseases. Identifiers: MedGen C0950123, MeSH D030342.

Submission:

Ambry Genetics
Classification: Uncertain significance for Inborn genetic diseases. Last evaluated: 2025-10-25. Review status: criteria provided, single submitter. Criteria: Ambry Variant Classification Scheme 2023. Collection method: clinical testing. Allele origin: germline.
Comment: The p.W364G variant (also known as c.1090T>G), located in coding exon 5 of the SH2B3 gene, results from a T to G substitution at nucleotide position 1090. The tryptophan at codon 364 is replaced by glycine, an amino acid with highly dissimilar properties. This amino acid position is conserved. In addition, this alteration is predicted to be deleterious by in silico analysis. Based on the available evidence, the clinical significance of this variant remains unclear.

NM_005475.3(SH2B3):c.1090T>G (p.Trp364Gly)

Gene: SH2B3 (SH2B adaptor protein 3; plus strand). Cytogenetic location: 12q24.12.
Variant type: single nucleotide variant.
Coding change: c.1090T>G on transcript NM_005475.3 (MANE Select); coding-DNA position 1090, T replaced by G.
Protein change: p.Trp364Gly; replaces tryptophan 364 with glycine.
Molecular consequence: missense variant.
Genome position (GRCh38, 1-based): chr12:111,447,398, T>G. VCF-style: chr12-111447398-T-G. GRCh37 (hg19) VCF-style: chr12-111885202-T-G.
Other names: c.484T>G, p.Trp162Gly (NM_001291424.1); short protein forms W364G, W162G.
Identifiers: ClinVar variation 4630729 (VCV004630729.1).